The following is an entry in ClinVar:

NM_001009999.3(KDM1A):c.2437G>A (p.Ala813Thr)

Gene: KDM1A (lysine demethylase 1A; plus strand). Cytogenetic location: 1p36.12.
Variant type: single nucleotide variant.
Coding change: c.2437G>A on transcript NM_001009999.3 (MANE Select); coding-DNA position 2437, G replaced by A.
Protein change: p.Ala813Thr; replaces alanine 813 with threonine.
Molecular consequence: missense variant.
Genome position (GRCh38, 1-based): chr1:23,082,358, G>A. VCF-style: chr1-23082358-G-A. GRCh37 (hg19) VCF-style: chr1-23408851-G-A.
Other names: c.2383G>A, p.Ala795Thr (NM_001363654.2); c.2443G>A, p.Ala815Thr (NM_001410762.1); c.2365G>A, p.Ala789Thr (NM_001410763.1, NM_015013.4); short protein forms A813T, A815T, A795T, A789T.
Identifiers: ClinVar variation 4983345 (VCV004983345.1).

ClinVar aggregate classification (germline): Uncertain significance (1 of 4 stars; one submission).

Conditions:
KDM1A-related disorder. Also called: KDM1A-related condition.

gnomAD v4.1: 3 of 1,612,190 alleles (0.00019%); highest among the groups gnomAD compares: Non-Finnish European, 0.00025%; no homozygotes.

Submission:

PreventionGenetics, part of Exact Sciences
Classification: Uncertain significance for KDM1A-related condition. Last evaluated: 2026-06-22. Review status: criteria provided, single submitter. Criteria: ACMG Guidelines, 2015. Collection method: clinical testing. Allele origin: germline.
Comment: The KDM1A c.2437G>A variant is predicted to result in the amino acid substitution p.Ala813Thr. To our knowledge, this variant has not been reported in the literature. This variant is reported in 0.00089% of alleles in individuals of European (Non-Finnish) descent in gnomAD. At this time, the clinical significance of this variant is uncertain due to the absence of conclusive functional and genetic evidence.